The following is an entry in ClinVar:

NM_138927.4(SON):c.3803T>C (p.Val1268Ala)

Gene: SON (SON DNA and RNA binding protein; plus strand). Cytogenetic location: 21q22.11.
Variant type: single nucleotide variant.
Coding change: c.3803T>C on transcript NM_138927.4 (MANE Select); coding-DNA position 3803, T replaced by C.
Protein change: p.Val1268Ala; replaces valine 1268 with alanine.
Molecular consequence: missense variant. On other transcripts: non-coding transcript variant (1), intron variant (1).
Genome position (GRCh38, 1-based): chr21:33,553,034, T>C. VCF-style: chr21-33553034-T-C. GRCh37 (hg19) VCF-style: chr21-34925340-T-C.
Other names: c.3803T>C, p.Val1268Ala (NM_001291411.2, NM_032195.3); c.245-4122T>C (NM_001291412.3); short protein forms V1268A.
Identifiers: ClinVar variation 3690093 (VCV003690093.2).

ClinVar aggregate classification (germline): Uncertain significance (1 of 4 stars; one submission).

gnomAD v4.1: 7 of 1,612,466 alleles (0.00043%); highest among the groups gnomAD compares: South Asian, 0.0033%; no homozygotes.

Submission:

Labcorp Genetics (formerly Invitae), Labcorp
Classification: Uncertain significance. Last evaluated: 2024-09-06. Review status: criteria provided, single submitter. Criteria: Invitae Variant Classification Sherloc (09022015). Collection method: clinical testing. Allele origin: germline.
Comment: This sequence change replaces valine, which is neutral and non-polar, with alanine, which is neutral and non-polar, at codon 1268 of the SON protein (p.Val1268Ala). This variant is not present in population databases (gnomAD no frequency). This variant has not been reported in the literature in individuals affected with SON-related conditions. An algorithm developed to predict the effect of missense changes on protein structure and function outputs the following: PolyPhen-2: "Benign". The alanine amino acid residue is found in multiple mammalian species, which suggests that this missense change does not adversely affect protein function. In summary, the available evidence is currently insufficient to determine the role of this variant in disease. Therefore, it has been classified as a Variant of Uncertain Significance.